The following is an entry in ClinVar:

ClinVar aggregate classification (germline): Likely pathogenic (1 of 4 stars; one submission).

Conditions:
Intellectual developmental disorder, autosomal dominant 64. Also called: MENTAL RETARDATION, AUTOSOMAL DOMINANT 64. Identifiers: MedGen C5543067, MONDO:0030934, OMIM 619188.

Submission:

3billion
Classification: Likely pathogenic for Intellectual developmental disorder, autosomal dominant 64. Last evaluated: 2022-01-03. Review status: criteria provided, single submitter. Criteria: ACMG Guidelines, 2015. Collection method: clinical testing. Allele origin: germline. Affected: yes. Observed: 1 heterozygote.
Comment: Frameshift: predicted to result in a loss or disruption of normal protein function through protein truncation. Multiple pathogenic variants are reported in the predicted truncated region (PVS1_S). It is not observed in the gnomAD v2.1.1 dataset (PM2_M).Therefore, this variant is classified as likely pathogenic according to the recommendation of ACMG/AMP guideline.

NM_015021.3(ZNF292):c.5906_5909del (p.Gln1969fs)

Gene: ZNF292 (zinc finger protein 292; plus strand). Cytogenetic location: 6q14.3.
Variant type: Deletion.
Coding change: c.5906_5909del on transcript NM_015021.3 (MANE Select); coding-DNA positions 5906 to 5909, 4 bases deleted (AGTT; older notation c.5906_5909delAGTT).
Protein change: p.Gln1969fs; shifts the reading frame from glutamine 1969.
Molecular consequence: frameshift variant.
Genome position (GRCh38, 1-based): chr6:87,259,535-87,259,538, AGTT deleted. VCF-style (leftmost placement, unchanged base first): chr6-87259534-CAGTT-C. GRCh37 (hg19) VCF-style: chr6-87969252-CAGTT-C.
Other names: c.5486_5489del, p.Gln1829fs (NM_001351444.2); short protein forms Q1829fs, Q1969fs.
Identifiers: ClinVar variation 1333302 (VCV001333302.1), dbSNP rs2127870787, ClinGen allele CA2573052755.